The following is an entry in ClinVar:

NM_213599.3(ANO5):c.1993_1996dup (p.Pro666fs)

Gene: ANO5 (anoctamin 5; plus strand). Cytogenetic location: 11p14.3.
Variant type: Duplication.
Coding change: c.1993_1996dup on transcript NM_213599.3 (MANE Select); coding-DNA positions 1993 to 1996, 4 bases duplicated (GGAC; older notation c.1993_1996dupGGAC).
Protein change: p.Pro666fs; shifts the reading frame from proline 666.
Molecular consequence: frameshift variant.
Genome position (GRCh38, 1-based): chr11:22,270,406-22,270,409, GGAC duplicated. VCF-style (leftmost placement, unchanged base first): chr11-22270405-T-TGGAC. GRCh37 (hg19) VCF-style: chr11-22291951-T-TGGAC.
Other names: c.1990_1993dup, p.Pro665fs (NM_001142649.2); short protein forms P666fs, P665fs.
Identifiers: ClinVar variation 871508 (VCV000871508.46), dbSNP rs780201679, ClinGen allele CA5923419.

ClinVar aggregate classification (germline): Pathogenic. Review status: criteria provided, multiple submitters, no conflicts (2 of 4 stars). 3 submissions from 3 submitters: Pathogenic (3). Last evaluated 2025-09-16.

Conditions:
Autosomal recessive limb-girdle muscular dystrophy type 2L (LGMDR12). Also called: Limb-girdle muscular dystrophy, type 2L; Limb-Girdle Muscular Dystrophy R12 Anoctamin-5-Related (LGMD-R12); MUSCULAR DYSTROPHY, LIMB-GIRDLE, AUTOSOMAL RECESSIVE 12. Identifiers: Orphanet 206549, MedGen C1969785, MONDO:0012652, OMIM 611307.
Gnathodiaphyseal dysplasia (GDD). Also called: GNATHODIAPHYSEAL SCLEROSIS; OSTEOGENESIS IMPERFECTA WITH UNUSUAL SKELETAL LESIONS. Identifiers: Orphanet 53697, MedGen C1833736, MONDO:0008151, OMIM 166260.

Allele frequency attached by ClinVar (database versions not stated): gnomAD exomes below 0.00001; ExAC 0.00001; gnomAD 0.00001; TOPMed 0.00001; ESP Exome Variant Server 0.00008.

Submissions (3):

Labcorp Genetics (formerly Invitae), Labcorp
Classification: Pathogenic for Autosomal recessive limb-girdle muscular dystrophy type 2L; Gnathodiaphyseal dysplasia. Last evaluated: 2025-09-16. Review status: criteria provided, single submitter. Criteria: Invitae Variant Classification Sherloc (09022015). Collection method: clinical testing. Allele origin: germline.
Comment: This sequence change creates a premature translational stop signal (p.Pro666Argfs*8) in the ANO5 gene. It is expected to result in an absent or disrupted protein product. Loss-of-function variants in ANO5 are known to be pathogenic (PMID: 21186264, 23606453, 25891276, 30919934). This variant is present in population databases (rs780201679, gnomAD 0.002%). This variant has not been reported in the literature in individuals affected with ANO5-related conditions. ClinVar contains an entry for this variant (Variation ID: 871508). For these reasons, this variant has been classified as Pathogenic.

Revvity Omics, Revvity
Classification: Pathogenic. Last evaluated: 2024-12-05. Review status: criteria provided, single submitter. Criteria: ACMG Guidelines, 2015. Collection method: clinical testing. Allele origin: germline.

CeGaT Center for Human Genetics Tuebingen
Classification: Pathogenic. Last evaluated: 2018-11-01. Review status: criteria provided, single submitter. Criteria: CeGaT Center For Human Genetics Tuebingen Variant Classification Criteria Version 2. Collection method: clinical testing. Allele origin: germline. Affected: yes. Observed: 1 variant allele.

Literature cited by the submitters: PubMed 21186264 (cited by Labcorp Genetics (formerly Invitae), Labcorp); PubMed 23606453 (cited by Labcorp Genetics (formerly Invitae), Labcorp); PubMed 25891276 (cited by Labcorp Genetics (formerly Invitae), Labcorp); PubMed 30919934 (cited by Labcorp Genetics (formerly Invitae), Labcorp).